The following is an entry in ClinVar:

NM_017415.3(KLHL3):c.1654G>T (p.Ala552Ser)

Gene: KLHL3 (kelch like family member 3; minus strand). Cytogenetic location: 5q31.2.
Variant type: single nucleotide variant.
Coding change: c.1654G>T on transcript NM_017415.3 (MANE Select); coding-DNA position 1654, G replaced by T.
Protein change: p.Ala552Ser; replaces alanine 552 with serine.
Molecular consequence: missense variant.
Genome position (GRCh38, 1-based): chr5:137,625,834, C>A on the plus strand (G>T on the coding strand, the complement: KLHL3 is on the minus strand). VCF-style: chr5-137625834-C-A. GRCh37 (hg19) VCF-style: chr5-136961523-C-A.
Other names: c.1558G>T, p.Ala520Ser (NM_001257194.1); c.1408G>T, p.Ala470Ser (NM_001257195.2); short protein forms A470S, A520S, A552S.
Identifiers: ClinVar variation 1314383 (VCV001314383.3), dbSNP rs2149876263, ClinGen allele CA361044704.
Genomic context (GRCh38, chr5:137,625,834, plus strand): 5'-TCATGTTCGTTGGAAGCAGCGTCCATTTGTCAGTGACAGGATTGTAGTACTCCACCGAAG[C>A]CAAGTTGCAGGATCCATCATCCCCTCCAACCACATACAGGAGCCCATTTACTGCACAGAC-3'
Protein context (NP_059111.2, residues 542-562): VGGDDGSCNL[Ala552Ser]SVEYYNPVTD

ClinVar aggregate classification (germline): Uncertain significance. Review status: criteria provided, multiple submitters, no conflicts (2 of 4 stars). 2 submissions from 2 submitters: Uncertain significance (2). Last evaluated 2022-04-01.

Conditions:
Pseudohypoaldosteronism type 2D (PHA2D). Also called: FAMILIAL HYPERKALEMIC HYPERTENSION; PSEUDOHYPOALDOSTERONISM, TYPE IID, AUTOSOMAL DOMINANT OR RECESSIVE; Pseudohypoaldosteronism Type IID. Identifiers: Orphanet 300525, Orphanet 757, MedGen C3469605, MONDO:0013781, OMIM 614495.

Submissions (2):

Fulgent Genetics
Classification: Uncertain significance for Pseudohypoaldosteronism type 2D. Last evaluated: 2022-04-01. Review status: criteria provided, single submitter. Criteria: ACMG Guidelines, 2015. Collection method: clinical testing. Allele origin: unknown.

GeneDx
Classification: Uncertain significance. Last evaluated: 2021-04-07. Review status: criteria provided, single submitter. Criteria: GeneDx Variant Classification Process June 2021. Collection method: clinical testing. Allele origin: germline. Affected: yes.
Comment: Not observed in large population cohorts (Lek et al., 2016); In silico analysis supports that this missense variant does not alter protein structure/function; Has not been previously published as pathogenic or benign to our knowledge